The following is an entry in ClinVar:

NM_006231.4(POLE):c.1338del (p.Met447fs)

Gene: POLE (DNA polymerase epsilon, catalytic subunit; minus strand). Cytogenetic location: 12q24.33.
Variant type: Deletion.
Coding change: c.1338del on transcript NM_006231.4 (MANE Select); coding-DNA position 1338, one base deleted (G; older notation c.1338delG).
Protein change: p.Met447fs; shifts the reading frame from methionine 447.
Molecular consequence: frameshift variant.
Genome position (GRCh38, 1-based): chr12:132,673,596, C deleted on the plus strand (G on the coding strand, the reverse complement: POLE is on the minus strand); the first of 2 consecutive C bases (chr12:132,673,596-132,673,597); deleting either gives the same sequence. VCF-style (leftmost placement, unchanged base first): chr12-132673595-TC-T. GRCh37 (hg19) VCF-style: chr12-133250181-TC-T.
Other names: short protein forms M447fs.
Identifiers: ClinVar variation 3723248 (VCV003723248.2).

ClinVar aggregate classification (germline): Pathogenic (1 of 4 stars; one submission).

Submission:

Labcorp Genetics (formerly Invitae), Labcorp
Classification: Pathogenic. Last evaluated: 2024-10-18. Review status: criteria provided, single submitter. Criteria: Invitae Variant Classification Sherloc (09022015). Collection method: clinical testing. Allele origin: germline.
Comment: This sequence change creates a premature translational stop signal (p.Met447Trpfs*25) in the POLE gene. It is expected to result in an absent or disrupted protein product. Loss-of-function variants in POLE are known to be pathogenic (PMID: 23230001, 25948378, 30503519). This variant is not present in population databases (gnomAD no frequency). This variant has not been reported in the literature in individuals affected with POLE-related conditions. For these reasons, this variant has been classified as Pathogenic.

Literature cited by the submitters: PubMed 23230001; PubMed 25948378; PubMed 30503519.